The following is an entry in ClinVar:

ClinVar aggregate classification (germline): Pathogenic (1 of 4 stars; one submission).

Submission:

Labcorp Genetics (formerly Invitae), Labcorp
Classification: Pathogenic. Last evaluated: 2021-04-11. Review status: criteria provided, single submitter. Criteria: Invitae Variant Classification Sherloc (09022015). Collection method: clinical testing. Allele origin: germline.
Comment: For these reasons, this variant has been classified as Pathogenic. This variant has not been reported in the literature in individuals with COL4A5-related conditions. This variant is not present in population databases (ExAC no frequency). This sequence change creates a premature translational stop signal (p.Ala886Serfs*12) in the COL4A5 gene. It is expected to result in an absent or disrupted protein product. Loss-of-function variants in COL4A5 are known to be pathogenic (PMID: 9195222, 10752524, 14514738, 24854265, 26809805).

Literature cited by the submitters: PubMed 9195222; PubMed 10752524; PubMed 14514738; PubMed 24854265; PubMed 26809805.

NM_033380.3(COL4A5):c.2655dup (p.Ala886fs)

Gene: COL4A5 (collagen type IV alpha 5 chain; plus strand). Cytogenetic location: Xq22.3.
Variant type: Duplication.
Coding change: c.2655dup on transcript NM_033380.3 (MANE Select); coding-DNA position 2655, one base duplicated (A; older notation c.2655dupA).
Protein change: p.Ala886fs; shifts the reading frame from alanine 886.
Molecular consequence: frameshift variant.
Genome position (GRCh38, 1-based): chrX:108,620,404, A duplicated; the last of 4 consecutive A bases (chrX:108,620,401-108,620,404); duplicating any one gives the same sequence. VCF-style (leftmost placement, unchanged base first): chrX-108620400-G-GA. GRCh37 (hg19) VCF-style: chrX-107863630-G-GA.
Other names: c.2655dup, p.Ala886fs (NM_000495.5); short protein forms A886fs.
Identifiers: ClinVar variation 1362049 (VCV001362049.6), dbSNP rs2147860367, ClinGen allele CA2573159088.